The following is an entry in ClinVar:

ClinVar aggregate classification (germline): Pathogenic (1 of 4 stars; one submission).

Conditions:
Autosomal dominant hypocalcemia 1 (HYPOC1). Also called: HYPOCALCEMIA, FAMILIAL. Identifiers: MedGen C3715128, MONDO:0011013, OMIM 601198.
Familial hypocalciuric hypercalcemia (FHH). Also called: Familial benign hypercalcemia. Identifiers: Orphanet 405, MedGen C1809471, MONDO:0018458.

Submission:

Labcorp Genetics (formerly Invitae), Labcorp
Classification: Pathogenic for Familial hypocalciuric hypercalcemia; Autosomal dominant hypocalcemia 1. Last evaluated: 2023-06-04. Review status: criteria provided, single submitter. Criteria: Invitae Variant Classification Sherloc (09022015). Collection method: clinical testing. Allele origin: germline.
Comment: This variant has not been reported in the literature in individuals affected with CASR-related conditions. This variant is not present in population databases (gnomAD no frequency). This sequence change creates a premature translational stop signal (p.Leu368*) in the CASR gene. It is expected to result in an absent or disrupted protein product. Loss-of-function variants in CASR are known to be pathogenic (PMID: 11807402, 14985373, 22422767). For these reasons, this variant has been classified as Pathogenic.

Literature cited by the submitters: PubMed 11807402; PubMed 14985373; PubMed 22422767.

NM_000388.4(CASR):c.1103T>G (p.Leu368Ter)

Gene: CASR (calcium sensing receptor; plus strand). Cytogenetic location: 3q21.1.
Variant type: single nucleotide variant.
Coding change: c.1103T>G on transcript NM_000388.4 (MANE Select); coding-DNA position 1103, T replaced by G.
Protein change: p.Leu368Ter; replaces leucine 368 with a stop codon.
Molecular consequence: nonsense.
Genome position (GRCh38, 1-based): chr3:122,262,138, T>G. VCF-style: chr3-122262138-T-G. GRCh37 (hg19) VCF-style: chr3-121980985-T-G.
Other names: c.1103T>G, p.Leu368Ter (NM_001178065.2); short protein forms L368*.
Identifiers: ClinVar variation 2948557 (VCV002948557.3), dbSNP rs1576859083, ClinGen allele CA354152595.